The following is an entry in ClinVar:

ClinVar aggregate classification (germline): Likely benign. Review status: criteria provided, multiple submitters, no conflicts (2 of 4 stars). 5 submissions from 5 submitters: Likely benign (5). Last evaluated 2025-11-19.

Conditions:
Tuberous sclerosis syndrome (TSC). Also called: Tuberous Sclerosis Complex; Tuberous sclerosis. Identifiers: Orphanet 805, MedGen C0041341, MONDO:0001734.
Tuberous sclerosis 2 (TSC2). Identifiers: Orphanet 805, MedGen C1860707, MONDO:0013199, OMIM 613254.
Isolated focal cortical dysplasia type II (FCORD2). Also called: Focal cortical dysplasia type II; CORTICAL DYSPLASIA OF TAYLOR. Identifiers: Orphanet 268994, MedGen C1846385, MONDO:0011818, OMIM 607341, HP:0032051.
Lymphangiomyomatosis (LAM). Also called: Lymphangioleiomyomatosis; Lymphangioleiomyomatosis, somatic. Identifiers: Orphanet 538, MedGen C0751674, MONDO:0011705, OMIM 606690.

Allele frequency attached by ClinVar (database versions not stated): gnomAD exomes below 0.00001 and 0.00001; TOPMed below 0.00001; gnomAD 0.00001.
gnomAD v4.1: 7 of 1,613,144 alleles (0.00043%); highest among the groups gnomAD compares: Admixed American, 0.0033%; no homozygotes.

Submissions (5):

Labcorp Genetics (formerly Invitae), Labcorp
Classification: Likely benign for Tuberous sclerosis 2. Last evaluated: 2025-11-19. Review status: criteria provided, single submitter. Criteria: Invitae Variant Classification Sherloc (09022015). Collection method: clinical testing. Allele origin: germline.

Myriad Genetics, Inc.
Classification: Likely benign for Tuberous sclerosis 2. Last evaluated: 2025-06-03. Review status: criteria provided, single submitter. Criteria: Myriad Autosomal Dominant, Autosomal Recessive and X-Linked Classification Criteria (2023). Collection method: clinical testing. Allele origin: unknown.
Comment: This variant is considered likely benign. This variant is intronic and is not expected to impact mRNA splicing.

Color Diagnostics, LLC DBA Color Health
Classification: Likely benign for Tuberous sclerosis syndrome. Last evaluated: 2022-11-23. Review status: criteria provided, single submitter. Criteria: ACMG Guidelines, 2015. Collection method: clinical testing. Allele origin: germline.

Fulgent Genetics
Classification: Likely benign for Lymphangiomyomatosis; Isolated focal cortical dysplasia type II; Tuberous sclerosis 2. Last evaluated: 2021-11-10. Review status: criteria provided, single submitter. Criteria: ACMG Guidelines, 2015. Collection method: clinical testing. Allele origin: unknown.

GeneDx
Classification: Likely benign. Last evaluated: 2021-05-03. Review status: criteria provided, single submitter. Criteria: GeneDx Variant Classification Process June 2021. Collection method: clinical testing. Allele origin: germline. Affected: yes.

NM_000548.5(TSC2):c.4494-12C>T

Gene: TSC2 (TSC complex subunit 2; plus strand). Cytogenetic location: 16p13.3.
Variant type: single nucleotide variant.
Coding change: c.4494-12C>T on transcript NM_000548.5 (MANE Select); 12 bases into the intron before coding-DNA position 4494, C replaced by T.
Molecular consequence: intron variant.
Genome position (GRCh38, 1-based): chr16:2,084,939, C>T. VCF-style: chr16-2084939-C-T. GRCh37 (hg19) VCF-style: chr16-2134940-C-T.
Other names: c.4425-12C>T (NM_001114382.3); c.4365-12C>T (NM_021055.3, NM_001370405.1); c.4296-12C>T (NM_001363528.2); c.4362-12C>T (NM_001370404.1); c.4293-12C>T (NM_001077183.3); c.4185-12C>T (NM_001318827.2); c.3762-12C>T (NM_001318831.2); c.4149-12C>T (NM_001318829.2); and 1 more.
Identifiers: ClinVar variation 1342083 (VCV001342083.12), dbSNP rs780056359, ClinGen allele CA276753904.